The following is an entry in ClinVar:

ClinVar aggregate classification (germline): Uncertain significance. Review status: criteria provided, multiple submitters, no conflicts (2 of 4 stars). 2 submissions from 2 submitters: Uncertain significance (2). Last evaluated 2024-01-13.

Conditions:
Bethlem myopathy 1A. Also called: Bethlem myopathy 1; Bethlem Muscular Dystrophy; MYOPATHY, BENIGN CONGENITAL, WITH CONTRACTURES. Identifiers: Orphanet 610, MedGen CN029274, MONDO:0024530, OMIM 158810.

Allele frequency attached by ClinVar (database versions not stated): gnomAD exomes below 0.00001; ExAC 0.00001.
gnomAD v4.1: 2 of 1,613,056 alleles (0.00012%); highest among the groups gnomAD compares: East Asian, 0.0022%; no homozygotes.

Submissions (2):

Labcorp Genetics (formerly Invitae), Labcorp
Classification: Uncertain significance for Bethlem myopathy 1A. Last evaluated: 2024-01-13. Review status: criteria provided, single submitter. Criteria: Invitae Variant Classification Sherloc (09022015). Collection method: clinical testing. Allele origin: germline.
Comment: This sequence change replaces arginine, which is basic and polar, with cysteine, which is neutral and slightly polar, at codon 680 of the COL6A2 protein (p.Arg680Cys). This variant is present in population databases (rs764371488, gnomAD no frequency). This variant has not been reported in the literature in individuals affected with COL6A2-related conditions. Advanced modeling of protein sequence and biophysical properties (such as structural, functional, and spatial information, amino acid conservation, physicochemical variation, residue mobility, and thermodynamic stability) performed at Invitae indicates that this missense variant is expected to disrupt COL6A2 protein function with a positive predictive value of 80%. In summary, the available evidence is currently insufficient to determine the role of this variant in disease. Therefore, it has been classified as a Variant of Uncertain Significance.

GeneDx
Classification: Uncertain significance. Last evaluated: 2023-07-16. Review status: criteria provided, single submitter. Criteria: GeneDx Variant Classification Process June 2021. Collection method: clinical testing. Allele origin: germline. Affected: yes.
Comment: Not observed at significant frequency in large population cohorts (gnomAD); In silico analysis supports that this missense variant has a deleterious effect on protein structure/function; Has not been previously published as pathogenic or benign to our knowledge

NM_001849.4(COL6A2):c.2038C>T (p.Arg680Cys)

Gene: COL6A2 (collagen type VI alpha 2 chain; plus strand). Cytogenetic location: 21q22.3.
Variant type: single nucleotide variant.
Coding change: c.2038C>T on transcript NM_001849.4 (MANE Select); coding-DNA position 2038, C replaced by T.
Protein change: p.Arg680Cys; replaces arginine 680 with cysteine.
Molecular consequence: missense variant.
Genome position (GRCh38, 1-based): chr21:46,125,853, C>T. VCF-style: chr21-46125853-C-T. GRCh37 (hg19) VCF-style: chr21-47545767-C-T.
Other names: c.2038C>T, p.Arg680Cys (NM_058174.3, NM_058175.3); short protein forms R680C.
Identifiers: ClinVar variation 2742418 (VCV002742418.4), dbSNP rs764371488, ClinGen allele CA10072422.
Genomic context (GRCh38, chr21:46,125,853, plus strand): 5'-GTGGGCGTGGTGCAGTACAGCCACGAGGGCACCTTTGAGGCCATCCAGCTGGACGACGAA[C>T]GTATCGACTCCCTGTCGAGCTTCAAGGAGGCTGTCAAGAACCTCGAGTGGATTGCGGGCG-3'
Protein context (NP_001840.3, residues 670-690): TFEAIQLDDE[Arg680Cys]IDSLSSFKEA